The following is an entry in ClinVar:

ClinVar aggregate classification (germline): Conflicting classifications of pathogenicity. Review status: criteria provided, conflicting classifications (1 of 4 stars). 10 submissions from 9 submitters: Uncertain significance (5); Likely benign (5). Last evaluated 2026-09-01.

Conditions:
BSCL2-related disorder. Also called: BSCL2-related condition; BSCL2-Related Disorders.
Inborn genetic diseases. Identifiers: MedGen C0950123, MeSH D030342.
Charcot-Marie-Tooth disease type 2. Also called: Charcot-Marie-Tooth type 2. Identifiers: Orphanet 64746, MedGen C0270914, MONDO:0018993.
Congenital generalized lipodystrophy type 2 (CGL2). Also called: BERARDINELLI SYNDROME; BRUNZELL SYNDROME, BSCL2-RELATED; SEIP SYNDROME; Berardinelli-Seip Congenital Lipodystrophy Type 2. Identifiers: Orphanet 528, Orphanet 696289, MedGen C1720863, MONDO:0010020, OMIM 269700.
Neuronopathy, distal hereditary motor, type 5A (HMND5). Also called: Distal Spinal Muscular Atrophy V (dSMA-V); DHMN VA; Distal Spinal Muscular Atrophy V; NEURONOPATHY, DISTAL HEREDITARY MOTOR, AUTOSOMAL DOMINANT 5. Identifiers: Orphanet 139536, MedGen CN031873, MONDO:0015353, OMIM 600794.

Allele frequency attached by ClinVar (database versions not stated): gnomAD 0.00010; ESP Exome Variant Server 0.00015; ExAC 0.00034; TOPMed 0.00037; 1000 Genomes Project 0.00100; 1000 Genomes Project 30x 0.00125.
gnomAD v4.1: 376 of 1,614,108 alleles (0.023%); highest among the groups gnomAD compares: Admixed American, 0.1%; 1 homozygote.

Submissions (10):

CeGaT Center for Human Genetics Tuebingen
Classification: Likely benign. Last evaluated: 2026-09-01. Review status: criteria provided, single submitter. Criteria: CeGaT Center For Human Genetics Tuebingen Variant Classification Criteria Version 2. Collection method: clinical testing. Allele origin: germline. Affected: yes. Observed: 2 variant alleles.
Comment: BSCL2: BP4

Women's Health and Genetics/Laboratory Corporation of America, LabCorp
Classification: Likely benign. Last evaluated: 2026-05-22. Review status: criteria provided, single submitter. Criteria: LabCorp Variant Classification Summary - May 2015. Collection method: clinical testing. Allele origin: germline.
Comment: Variant summary: BSCL2 c.553G>A (p.Ala185Thr) results in a non-conservative amino acid change in the encoded protein sequence. Algorithms developed to predict the effect of missense changes on protein structure and function are either unavailable or do not agree on the potential impact of this missense change. The variant allele was found at a frequency of 0.00038 in 150948 control chromosomes, predominantly at a frequency of 0.0021 within the Latino subpopulation in the gnomAD database, including 1 homozygote. The observed variant frequency within Latino control individuals in the gnomAD database exceeds the estimated maximal expected allele frequency for disease-causing variants in BSCL2. To our knowledge, no occurrence of c.553G>A in individuals affected with BSCL2-related conditions and no experimental evidence demonstrating its impact on protein function have been reported. ClinVar contains an entry for this variant (Variation ID: 246574). Based on the evidence outlined above, the variant was classified as likely benign.

Labcorp Genetics (formerly Invitae), Labcorp
Classification: Likely benign for Charcot-Marie-Tooth disease type 2. Last evaluated: 2025-12-23. Review status: criteria provided, single submitter. Criteria: Invitae Variant Classification Sherloc (09022015). Collection method: clinical testing. Allele origin: germline.

PreventionGenetics, part of Exact Sciences
Classification: Likely benign for BSCL2-related condition. Last evaluated: 2025-05-21. Review status: criteria provided, single submitter. Criteria: ACMG Guidelines, 2015. Collection method: clinical testing. Allele origin: germline.
Comment: This variant is classified as likely benign based on ACMG/AMP sequence variant interpretation guidelines (Richards et al. 2015 PMID: 25741868, with internal and published modifications).

ARUP Laboratories, Molecular Genetics and Genomics, ARUP Laboratories
Classification: Uncertain significance. Last evaluated: 2023-11-03. Review status: criteria provided, single submitter. Criteria: ARUP Molecular Germline Variant Investigation Process 2024. Collection method: clinical testing. Allele origin: germline.

GeneDx
Classification: Uncertain significance. Last evaluated: 2021-07-19. Review status: criteria provided, single submitter. Criteria: GeneDx Variant Classification Process June 2021. Collection method: clinical testing. Allele origin: germline. Affected: yes.
Comment: Has not been previously published as pathogenic or benign to our knowledge; In silico analysis supports that this missense variant does not alter protein structure/function; This variant is associated with the following publications: (PMID: 11479539, 18790819, 27535533)

Ambry Genetics
Classification: Likely benign for Inborn genetic diseases. Last evaluated: 2019-10-16. Review status: criteria provided, single submitter. Criteria: Ambry Variant Classification Scheme 2023. Collection method: clinical testing. Allele origin: germline.

Mayo Clinic Laboratories, Mayo Clinic
Classification: Uncertain significance. Last evaluated: 2019-07-28. Review status: criteria provided, single submitter. Criteria: ACMG Guidelines, 2015. Collection method: clinical testing. Allele origin: germline. Observed: 1 variant allele.

Illumina Laboratory Services, Illumina
Classification: Uncertain significance for Neuronopathy, distal hereditary motor, type 5A. Last evaluated: 2018-01-12. Review status: criteria provided, single submitter. Criteria: ICSL Variant Classification Criteria 13 December 2019. Collection method: clinical testing. Allele origin: germline.

Illumina Laboratory Services, Illumina
Classification: Uncertain significance for Congenital generalized lipodystrophy type 2. Last evaluated: 2018-01-12. Review status: criteria provided, single submitter. Criteria: ICSL Variant Classification Criteria 13 December 2019. Collection method: clinical testing. Allele origin: germline.

NM_001122955.4(BSCL2):c.745G>A (p.Ala249Thr)

Genes: BSCL2 (BSCL2 lipid droplet biogenesis associated, seipin; minus strand), HNRNPUL2-BSCL2 (HNRNPUL2-BSCL2 readthrough (NMD candidate); minus strand). Cytogenetic location: 11q12.3.
Variant type: single nucleotide variant.
Coding change: c.745G>A on transcript NM_001122955.4 (MANE Select); coding-DNA position 745, G replaced by A.
Protein change: p.Ala249Thr; replaces alanine 249 with threonine.
Molecular consequence: missense variant. On other transcripts: non-coding transcript variant (1).
Genome position (GRCh38, 1-based): chr11:62,692,683, C>T on the plus strand (G>A on the coding strand, the complement: BSCL2 is on the minus strand). VCF-style: chr11-62692683-C-T. GRCh37 (hg19) VCF-style: chr11-62460155-C-T.
Other names: c.745G>A (NM_001122955.3); c.553G>A, p.Ala185Thr (NM_001130702.2, NM_032667.6); c.745G>A, p.Ala249Thr (NM_001386027.1, NM_001386028.1); short protein forms A185T, A249T.
Identifiers: ClinVar variation 246574 (VCV000246574.50), dbSNP rs10776, ClinGen allele CA6053484.